The following is an entry in ClinVar:

NM_000380.4(XPA):c.89G>A (p.Arg30Gln)

Gene: XPA (XPA, DNA damage recognition and repair factor; minus strand). Cytogenetic location: 9q22.33.
Variant type: single nucleotide variant.
Coding change: c.89G>A on transcript NM_000380.4 (MANE Select); coding-DNA position 89, G replaced by A.
Protein change: p.Arg30Gln; replaces arginine 30 with glutamine.
Molecular consequence: missense variant. On other transcripts: 5 prime UTR variant (1), non-coding transcript variant (5).
Genome position (GRCh38, 1-based): chr9:97,697,204, C>T on the plus strand (G>A on the coding strand, the complement: XPA is on the minus strand). VCF-style: chr9-97697204-C-T. GRCh37 (hg19) VCF-style: chr9-100459486-C-T.
Other names: c.-1061G>A (NM_001354975.2); short protein forms R30Q.
Identifiers: ClinVar variation 1692422 (VCV001692422.2), dbSNP rs760613920, ClinGen allele CA5148918.

ClinVar aggregate classification (germline): Uncertain significance. Review status: criteria provided, multiple submitters, no conflicts (2 of 4 stars). 2 submissions from 2 submitters: Uncertain significance (2). Last evaluated 2025-08-07.

Conditions:
Xeroderma pigmentosum group A (XPA). Also called: XPA-Related Xeroderma Pigmentosum; Xeroderma pigmentosum, complementation group A; XP, group A. Identifiers: Orphanet 910, MedGen C0268135, MONDO:0010210, OMIM 278700.
Xeroderma pigmentosum (XP). Identifiers: Orphanet 910, MedGen C0043346, MONDO:0019600.

Allele frequency attached by ClinVar (database versions not stated): ExAC 0.00001; gnomAD 0.00001; gnomAD exomes 0.00001 and 0.00003.
gnomAD v4.1: 14 of 1,600,258 alleles (0.00087%); highest among the groups gnomAD compares: Admixed American, 0.01%; no homozygotes.

Submissions (2):

Myriad Genetics, Inc.
Classification: Uncertain significance for Xeroderma pigmentosum group A. Last evaluated: 2025-08-07. Review status: criteria provided, single submitter. Criteria: Myriad Autosomal Dominant, Autosomal Recessive and X-Linked Classification Criteria (2023). Collection method: clinical testing. Allele origin: unknown.
Comment: NM_000380.3(XPA):c.89G>A(R30Q) is a missense variant classified as a variant of uncertain significance in the context of xeroderma pigmentosum group A. R30Q has not been observed in cases with relevant disease. Relevant functional assessments of this variant are not available in the literature. R30Q has been observed in referenced population frequency databases. In summary, there is insufficient evidence to classify NM_000380.3(XPA):c.89G>A(R30Q) as pathogenic or benign. Please note: this variant was assessed in the context of healthy population screening.

Sema4
Classification: Uncertain significance for Xeroderma pigmentosum. Last evaluated: 2021-07-13. Review status: criteria provided, single submitter. Criteria: Sema4 Curation Guidelines. Collection method: curation. Allele origin: germline.
Comment: The XPA c.89G>A (p.R30Q) variant has not been reported in the literature to our knowledge. It was observed in 6/34666 chromosomes of the Latino subpopulation in the large and broad cohorts of the Genome Aggregation Database (PMID: 32461654). The variant has not been reported in ClinVar. Functional studies have not been performed and in silico tool predictions of the variants effect on protein function are inconclusive. The evidence is insufficient to meet ACMG/AMP criteria for classifying the variant as benign or pathogenic. Thus, the clinical significance of this variant is currently uncertain.